The following is an entry in ClinVar:

ClinVar aggregate classification (germline): Pathogenic/Likely pathogenic. Review status: criteria provided, multiple submitters, no conflicts (2 of 4 stars). 4 submissions from 4 submitters: Pathogenic (3); Likely pathogenic (1). Last evaluated 2025-10-26.

Conditions:
Familial cancer of breast. Also called: Hereditary breast cancer; hereditary breast carcinoma; BREAST CANCER, FAMILIAL. Identifiers: Orphanet 227535, MedGen C0346153, MONDO:0016419, OMIM 114480. Disease mechanism: loss of function.
Ataxia-telangiectasia syndrome (AT). Also called: Ataxia telangiectasia (A-T); LOUIS-BAR SYNDROME; Cerebello-oculocutaneous telangiectasia; Immunodeficiency with ataxia telangiectasia; Ataxia-telangiectasia, complementation group D; AT, COMPLEMENTATION GROUP C. Identifiers: Orphanet 100, MedGen C0004135, MONDO:0008840, OMIM 208900.
Hereditary cancer-predisposing syndrome. Also called: Hereditary neoplastic syndrome; Neoplastic Syndromes, Hereditary; Tumor predisposition; Hereditary Cancer Syndrome. Identifiers: Orphanet 140162, MedGen C0027672, MeSH D009386, MONDO:0015356.

Submissions (4):

Labcorp Genetics (formerly Invitae), Labcorp
Classification: Pathogenic for Ataxia-telangiectasia syndrome. Last evaluated: 2025-10-26. Review status: criteria provided, single submitter. Criteria: Invitae Variant Classification Sherloc (09022015). Collection method: clinical testing. Allele origin: germline.
Comment: This sequence change creates a premature translational stop signal (p.Asn1081Ilefs*27) in the ATM gene. It is expected to result in an absent or disrupted protein product. Loss-of-function variants in ATM are known to be pathogenic (PMID: 23807571, 25614872). This variant is not present in population databases (gnomAD no frequency). This variant has not been reported in the literature in individuals affected with ATM-related conditions. ClinVar contains an entry for this variant (Variation ID: 407535). For these reasons, this variant has been classified as Pathogenic.

Ambry Genetics
Classification: Pathogenic for Hereditary cancer-predisposing syndrome. Last evaluated: 2024-08-29. Review status: criteria provided, single submitter. Criteria: Ambry Variant Classification Scheme 2023. Collection method: clinical testing. Allele origin: germline.
Comment: The c.3242_3245delATCA pathogenic mutation, located in coding exon 21 of the ATM gene, results from a deletion of 4 nucleotides at nucleotide positions 3242 to 3245, causing a translational frameshift with a predicted alternate stop codon (p.N1081Ifs*27). This variant is considered to be rare based on population cohorts in the Genome Aggregation Database (gnomAD). This alteration is expected to result in loss of function by premature protein truncation or nonsense-mediated mRNA decay. As such, this alteration is interpreted as a disease-causing mutation.

Baylor Genetics
Classification: Likely pathogenic for Familial cancer of breast. Last evaluated: 2024-03-27. Review status: criteria provided, single submitter. Criteria: ACMG Guidelines, 2015. Collection method: clinical testing. Allele origin: unknown.

Myriad Genetics, Inc.
Classification: Pathogenic for Familial cancer of breast. Last evaluated: 2024-01-19. Review status: criteria provided, single submitter. Criteria: Myriad Autosomal Dominant, Autosomal Recessive and X-Linked Classification Criteria (2023). Collection method: clinical testing. Allele origin: unknown.
Comment: This variant is considered pathogenic. This variant creates a frameshift predicted to result in premature protein truncation.

Literature cited by the submitters: PubMed 23807571 (cited by Labcorp Genetics (formerly Invitae), Labcorp); PubMed 25614872 (cited by Labcorp Genetics (formerly Invitae), Labcorp).

NM_000051.4(ATM):c.3242_3245del (p.Asn1081fs)

Gene: ATM (ATM serine/threonine kinase; plus strand). Cytogenetic location: 11q22.3.
Variant type: Deletion.
Coding change: c.3242_3245del on transcript NM_000051.4 (MANE Select); coding-DNA positions 3242 to 3245, 4 bases deleted (ATCA; older notation c.3242_3245delATCA).
Protein change: p.Asn1081fs; shifts the reading frame from asparagine 1081.
Molecular consequence: frameshift variant.
Genome position (GRCh38, 1-based): chr11:108,272,810-108,272,813, ATCA deleted; deleting any 4 consecutive bases within chr11:108,272,808-108,272,813 gives the same sequence; the c. name uses the placement nearest the transcript's 3' end. VCF-style (leftmost placement, unchanged base first): chr11-108272807-ACAAT-A. GRCh37 (hg19) VCF-style: chr11-108143534-ACAAT-A.
Other names: c.3242_3245delATCA (NM_000051.3); c.3242_3245del, p.Asn1081fs (NM_001351834.2); short protein forms N1081fs.
Identifiers: ClinVar variation 407535 (VCV000407535.17), dbSNP rs1060501587, ClinGen allele CA16613033.